The following is an entry in ClinVar:

ClinVar aggregate classification (germline): Conflicting classifications of pathogenicity. Review status: criteria provided, conflicting classifications (1 of 4 stars). 4 submissions from 4 submitters: Uncertain significance (3); Likely benign (1). Last evaluated 2026-01-28.

Conditions:
Chuvash polycythemia. Also called: POLYCYTHEMIA, VHL-DEPENDENT. Identifiers: Orphanet 238557, MedGen C1837915, MONDO:0009892, OMIM 263400.
Von Hippel-Lindau syndrome (VHLS). Also called: VHL syndrome; Von Hippel-Lindau; von Hippel–Lindau syndrome. Identifiers: Orphanet 892, MedGen C0019562, MONDO:0008667, OMIM 193300. Disease mechanism: loss of function.
Hereditary cancer-predisposing syndrome. Also called: Neoplastic Syndromes, Hereditary; Hereditary Cancer Syndrome; Hereditary neoplastic syndrome; Tumor predisposition. Identifiers: Orphanet 140162, MedGen C0027672, MeSH D009386, MONDO:0015356.

Allele frequency attached by ClinVar (database versions not stated): TOPMed 0.00001.

Submissions (4):

Labcorp Genetics (formerly Invitae), Labcorp
Classification: Uncertain significance for Von Hippel-Lindau syndrome; Chuvash polycythemia. Last evaluated: 2026-01-28. Review status: criteria provided, single submitter. Criteria: Invitae Variant Classification Sherloc (09022015). Collection method: clinical testing. Allele origin: germline.
Comment: This sequence change replaces tyrosine, which is neutral and polar, with phenylalanine, which is neutral and non-polar, at codon 175 of the VHL protein (p.Tyr175Phe). This variant is not present in population databases (gnomAD no frequency). This variant has not been reported in the literature in individuals affected with VHL-related conditions. ClinVar contains an entry for this variant (Variation ID: 825586). Invitae Evidence Modeling of protein sequence and biophysical properties (such as structural, functional, and spatial information, amino acid conservation, physicochemical variation, residue mobility, and thermodynamic stability) indicates that this missense variant is expected to disrupt VHL protein function with a positive predictive value of 95%. This variant disrupts the p.Tyr175 amino acid residue in VHL. Other variant(s) that disrupt this residue have been determined to be pathogenic (PMID: 14722919, 23859443, 30105105; internal data). This suggests that this residue is clinically significant, and that variants that disrupt this residue are likely to be disease-causing. In summary, the available evidence is currently insufficient to determine the role of this variant in disease. Therefore, it has been classified as a Variant of Uncertain Significance.

Color Diagnostics, LLC DBA Color Health
Classification: Uncertain significance for Von Hippel-Lindau syndrome. Last evaluated: 2025-08-28. Review status: criteria provided, single submitter. Criteria: ACMG Guidelines, 2015. Collection method: clinical testing. Allele origin: germline.
Comment: This missense variant replaces tyrosine with phenylalanine at codon 175 of the VHL protein. Computational predictions are inconclusive regarding the impact of this variant on protein structure and function. A functional study has reported that this variant does not impact VHL in a haploid cell proliferation assay (PMID: 38969834). To our knowledge, this variant has not been reported in individuals affected with VHL-related disorders in the literature. Two different missense substitutions at this position, p.Tyr175Cys and p.Tyr175Asn, have been reported as disease-causing in ClinVar (variation ID: 36905, 3759082) and observed in individuals with VHL-related disorders (PMID: 14722919, 30105105). This variant has not been identified in the general population by the Genome Aggregation Database (gnomAD). The available evidence is insufficient to determine the role of this variant in disease conclusively. Therefore, this variant is classified as a Variant of Uncertain Significance.

Ambry Genetics
Classification: Likely benign for Hereditary cancer-predisposing syndrome. Last evaluated: 2025-03-26. Review status: criteria provided, single submitter. Criteria: Ambry Variant Classification Scheme 2023. Collection method: clinical testing. Allele origin: germline.

GeneDx
Classification: Uncertain significance. Last evaluated: 2020-09-22. Review status: criteria provided, single submitter. Criteria: GeneDx Variant Classification Process June 2021. Collection method: clinical testing. Allele origin: germline. Affected: yes.
Comment: Not observed in large population cohorts (Lek et al., 2016); In silico analysis supports that this missense variant does not alter protein structure/function; Has not been previously published as pathogenic or benign to our knowledge

Literature cited by the submitters: PubMed 14722919 (cited by Labcorp Genetics (formerly Invitae), Labcorp and Color Diagnostics, LLC DBA Color Health); PubMed 23859443 (cited by Labcorp Genetics (formerly Invitae), Labcorp); PubMed 30105105 (cited by Labcorp Genetics (formerly Invitae), Labcorp and Color Diagnostics, LLC DBA Color Health); PubMed 38969834 (cited by Color Diagnostics, LLC DBA Color Health and Ambry Genetics).

NM_000551.4(VHL):c.524A>T (p.Tyr175Phe)

Genes: VHL (von Hippel-Lindau tumor suppressor; plus strand), LOC107303340 (3p25 von Hippel-Lindau tumor suppressor, E3 ubiquitin protein ligase Alu-mediated recombination region; plus strand). Cytogenetic location: 3p25.3.
Variant type: single nucleotide variant.
Coding change: c.524A>T on transcript NM_000551.4 (MANE Select); coding-DNA position 524, A replaced by T.
Protein change: p.Tyr175Phe; replaces tyrosine 175 with phenylalanine.
Molecular consequence: missense variant. On other transcripts: 3 prime UTR variant (1).
Genome position (GRCh38, 1-based): chr3:10,149,847, A>T. VCF-style: chr3-10149847-A-T. GRCh37 (hg19) VCF-style: chr3-10191531-A-T.
Other names: c.*78A>T (NM_001354723.2); c.401A>T, p.Tyr134Phe (NM_198156.3); short protein forms Y134F, Y175F.
Identifiers: ClinVar variation 825586 (VCV000825586.17), dbSNP rs193922613, ClinGen allele CA351756230.
Genomic context (GRCh38, chr3:10,149,847, plus strand): 5'-TGTATACTCTGAAAGAGCGATGCCTCCAGGTTGTCCGGAGCCTAGTCAAGCCTGAGAATT[A>T]CAGGAGACTGGACATCGTCAGGTCGCTCTACGAAGATCTGGAAGACCACCCAAATGTGCA-3'
Protein context (NP_000542.1, residues 165-185): VVRSLVKPEN[Tyr175Phe]RRLDIVRSLY